The following is an entry in ClinVar:

NM_000090.4(COL3A1):c.4373T>G (p.Val1458Gly)

Gene: COL3A1 (collagen type III alpha 1 chain; plus strand). Cytogenetic location: 2q32.2.
Variant type: single nucleotide variant.
Coding change: c.4373T>G on transcript NM_000090.4 (MANE Select); coding-DNA position 4373, T replaced by G.
Protein change: p.Val1458Gly; replaces valine 1458 with glycine.
Molecular consequence: missense variant.
Genome position (GRCh38, 1-based): chr2:189,011,746, T>G. VCF-style: chr2-189011746-T-G. GRCh37 (hg19) VCF-style: chr2-189876472-T-G.
Other names: short protein forms V1458G.
Identifiers: ClinVar variation 2718136 (VCV002718136.3), dbSNP rs1576474937, ClinGen allele CA349850451.

ClinVar aggregate classification (germline): Uncertain significance (1 of 4 stars; one submission).

Conditions:
Ehlers-Danlos syndrome, type 4 (EDSVASC). Also called: Ehlers-Danlos Syndrome Type IV; Ehlers-Danlos syndrome vascular type; Ehlers Danlos syndrome, ecchymotic type; Ehlers Danlos syndrome, arterial type; Ehlers Danlos syndrome, Sack-Barabas type. Identifiers: Orphanet 286, MedGen C0268338, MONDO:0017314, OMIM 130050.

Submission:

Labcorp Genetics (formerly Invitae), Labcorp
Classification: Uncertain significance for Ehlers-Danlos syndrome, type 4. Last evaluated: 2023-06-17. Review status: criteria provided, single submitter. Criteria: Invitae Variant Classification Sherloc (09022015). Collection method: clinical testing. Allele origin: germline.
Comment: This sequence change replaces valine, which is neutral and non-polar, with glycine, which is neutral and non-polar, at codon 1458 of the COL3A1 protein (p.Val1458Gly). This variant is not present in population databases (gnomAD no frequency). This variant has not been reported in the literature in individuals affected with COL3A1-related conditions. Advanced modeling of protein sequence and biophysical properties (such as structural, functional, and spatial information, amino acid conservation, physicochemical variation, residue mobility, and thermodynamic stability) performed at Invitae indicates that this missense variant is not expected to disrupt COL3A1 protein function. In summary, the available evidence is currently insufficient to determine the role of this variant in disease. Therefore, it has been classified as a Variant of Uncertain Significance.